The following is an entry in ClinVar:

NM_001083961.2(WDR62):c.1840T>A (p.Ser614Thr)

Gene: WDR62 (WD repeat domain 62; plus strand). Cytogenetic location: 19q13.12.
Variant type: single nucleotide variant.
Coding change: c.1840T>A on transcript NM_001083961.2 (MANE Select); coding-DNA position 1840, T replaced by A.
Protein change: p.Ser614Thr; replaces serine 614 with threonine.
Molecular consequence: missense variant.
Genome position (GRCh38, 1-based): chr19:36,089,188, T>A. VCF-style: chr19-36089188-T-A. GRCh37 (hg19) VCF-style: chr19-36580090-T-A.
Other names: c.1840T>A, p.Ser614Thr (NM_173636.5); short protein forms S614T.
Identifiers: ClinVar variation 1485277 (VCV001485277.6), dbSNP rs2145767793, ClinGen allele CA405441319.

ClinVar aggregate classification (germline): Uncertain significance (1 of 4 stars; one submission).

Allele frequency attached by ClinVar (database versions not stated): gnomAD exomes below 0.00001.
gnomAD v4.1: 3 of 1,614,124 alleles (0.00019%); highest among the groups gnomAD compares: African/African-American, 0.0027%; no homozygotes.

Submission:

Labcorp Genetics (formerly Invitae), Labcorp
Classification: Uncertain significance. Last evaluated: 2023-08-04. Review status: criteria provided, single submitter. Criteria: Invitae Variant Classification Sherloc (09022015). Collection method: clinical testing. Allele origin: germline.
Comment: In summary, the available evidence is currently insufficient to determine the role of this variant in disease. Therefore, it has been classified as a Variant of Uncertain Significance. Advanced modeling of protein sequence and biophysical properties (such as structural, functional, and spatial information, amino acid conservation, physicochemical variation, residue mobility, and thermodynamic stability) performed at Invitae indicates that this missense variant is not expected to disrupt WDR62 protein function. ClinVar contains an entry for this variant (Variation ID: 1485277). This variant has not been reported in the literature in individuals affected with WDR62-related conditions. This variant is not present in population databases (gnomAD no frequency). This sequence change replaces serine, which is neutral and polar, with threonine, which is neutral and polar, at codon 614 of the WDR62 protein (p.Ser614Thr).